The following is an entry in ClinVar:

ClinVar aggregate classification (germline): Uncertain significance. Review status: criteria provided, multiple submitters, no conflicts (2 of 4 stars). 2 submissions from 2 submitters: Uncertain significance (2). Last evaluated 2022-10-27.

Conditions:
Inborn genetic diseases. Identifiers: MedGen C0950123, MeSH D030342.

Allele frequency attached by ClinVar (database versions not stated): gnomAD 0.00001; gnomAD exomes 0.00001; ExAC 0.00002; TOPMed 0.00002; ESP Exome Variant Server 0.00008.
gnomAD v4.1: 13 of 1,613,944 alleles (0.00081%); highest among the groups gnomAD compares: Admixed American, 0.005%; no homozygotes.

Submissions (2):

Labcorp Genetics (formerly Invitae), Labcorp
Classification: Uncertain significance. Last evaluated: 2022-10-27. Review status: criteria provided, single submitter. Criteria: Invitae Variant Classification Sherloc (09022015). Collection method: clinical testing. Allele origin: germline.
Comment: In summary, the available evidence is currently insufficient to determine the role of this variant in disease. Therefore, it has been classified as a Variant of Uncertain Significance. Advanced modeling of protein sequence and biophysical properties (such as structural, functional, and spatial information, amino acid conservation, physicochemical variation, residue mobility, and thermodynamic stability) performed at Invitae indicates that this missense variant is not expected to disrupt ANK3 protein function. This variant has not been reported in the literature in individuals affected with ANK3-related conditions. This variant is present in population databases (rs370076710, gnomAD 0.006%). This sequence change replaces aspartic acid, which is acidic and polar, with asparagine, which is neutral and polar, at codon 3319 of the ANK3 protein (p.Asp3319Asn).

Ambry Genetics
Classification: Uncertain significance for Inborn genetic diseases. Last evaluated: 2022-08-30. Review status: criteria provided, single submitter. Criteria: Ambry Variant Classification Scheme 2023. Collection method: clinical testing. Allele origin: germline.

NM_020987.5(ANK3):c.9955G>A (p.Asp3319Asn)

Gene: ANK3 (ankyrin 3; minus strand). Cytogenetic location: 10q21.2.
Variant type: single nucleotide variant.
Coding change: c.9955G>A on transcript NM_020987.5 (MANE Select); coding-DNA position 9955, G replaced by A.
Protein change: p.Asp3319Asn; replaces aspartic acid 3319 with asparagine.
Molecular consequence: missense variant. On other transcripts: intron variant (4).
Genome position (GRCh38, 1-based): chr10:60,070,926, C>T on the plus strand (G>A on the coding strand, the complement: ANK3 is on the minus strand). VCF-style: chr10-60070926-C-T. GRCh37 (hg19) VCF-style: chr10-61830684-C-T.
Other names: c.4388-2917G>A (NM_001204403.2); c.4409-2917G>A (NM_001204404.2); c.4406-2917G>A (NM_001320874.2); c.1808-2917G>A (NM_001149.4); short protein forms D3319N.
Identifiers: ClinVar variation 1929214 (VCV001929214.6), dbSNP rs370076710, ClinGen allele CA5511308.